The following is an entry in ClinVar:

ClinVar aggregate classification (germline): Conflicting classifications of pathogenicity. Review status: criteria provided, conflicting classifications (1 of 4 stars). 12 submissions from 12 submitters: Uncertain significance (5); Benign (2); Likely benign (5). Last evaluated 2026-06-04.

Conditions:
SPRED1-related disorder. Also called: SPRED1-related condition.
Noonan syndrome and Noonan-related syndrome. Identifiers: Orphanet 98733, MedGen C5681679, MONDO:0020297.
Cardiovascular phenotype. Identifiers: MedGen CN230736.
Legius syndrome. Identifiers: Orphanet 137605, MedGen C1969623, MONDO:0012669, OMIM 611431. Disease mechanism: loss of function.

Allele frequency attached by ClinVar (database versions not stated): gnomAD 0.00007 and 0.00008; TOPMed 0.00008; ExAC 0.00011; gnomAD exomes 0.00011; ESP Exome Variant Server 0.00038.
gnomAD v4.1: 166 of 1,608,952 alleles (0.01%); highest among the groups gnomAD compares: Non-Finnish European, 0.013%; 1 homozygote.

Submissions (12):

PreventionGenetics, part of Exact Sciences
Classification: Likely benign for SPRED1-related condition. Last evaluated: 2026-06-04. Review status: criteria provided, single submitter. Criteria: ACMG Guidelines, 2015. Collection method: clinical testing. Allele origin: germline.
Comment: This variant is classified as likely benign based on ACMG/AMP sequence variant interpretation guidelines (Richards et al. 2015 PMID: 25741868, with internal and published modifications).

Labcorp Genetics (formerly Invitae), Labcorp
Classification: Benign for Legius syndrome. Last evaluated: 2026-01-04. Review status: criteria provided, single submitter. Criteria: Invitae Variant Classification Sherloc (09022015). Collection method: clinical testing. Allele origin: germline.

CeGaT Center for Human Genetics Tuebingen
Classification: Likely benign. Last evaluated: 2025-03-01. Review status: criteria provided, single submitter. Criteria: CeGaT Center For Human Genetics Tuebingen Variant Classification Criteria Version 2. Collection method: clinical testing. Allele origin: germline. Affected: yes. Observed: 2 variant alleles.
Comment: SPRED1: BP4

Laboratory of Genetics, Children's Clinical University Hospital Latvia
Classification: Likely benign. Last evaluated: 2025-02-16. Review status: criteria provided, single submitter. Criteria: ACMG Guidelines, 2015. Collection method: clinical testing. Allele origin: germline. Affected: yes.

Blueprint Genetics
Classification: Likely benign. Last evaluated: 2024-08-28. Review status: criteria provided, single submitter. Criteria: ACMG Guidelines, 2015. Collection method: clinical testing. Allele origin: germline.

Ambry Genetics
Classification: Benign for Cardiovascular phenotype. Last evaluated: 2024-05-02. Review status: criteria provided, single submitter. Criteria: Ambry Variant Classification Scheme 2023. Collection method: clinical testing. Allele origin: germline.

Fulgent Genetics
Classification: Uncertain significance for Legius syndrome. Last evaluated: 2024-01-17. Review status: criteria provided, single submitter. Criteria: ACMG Guidelines, 2015. Collection method: clinical testing. Allele origin: germline.

Women's Health and Genetics/Laboratory Corporation of America, LabCorp
Classification: Likely benign. Last evaluated: 2023-11-17. Review status: criteria provided, single submitter. Criteria: LabCorp Variant Classification Summary - May 2015. Collection method: clinical testing. Allele origin: germline.
Comment: Variant summary: SPRED1 c.587C>T (p.Thr196Ile) results in a non-conservative amino acid change in the encoded protein sequence. Four of five in-silico tools predict a benign effect of the variant on protein function. The variant allele was found at a frequency of 0.00011 in 250856 control chromosomes, predominantly at a frequency of 0.0002 within the Non-Finnish European subpopulation in the gnomAD database. The observed variant frequency within Non-Finnish European control individuals in the gnomAD database is approximately 35 fold of the estimated maximal expected allele frequency for a pathogenic variant in SPRED1 causing Neurofibromatosis Type 1-Like Syndrome (Legius Syndrome) phenotype (5.6e-06), strongly suggesting that the variant is a benign polymorphism found primarily in populations of Non-Finnish European origin. These report(s) do not provide unequivocal conclusions about association of the variant with Neurofibromatosis Type 1-Like Syndrome (Legius Syndrome). To our knowledge, no experimental evidence demonstrating an impact on protein function has been reported. The following publications have been ascertained in the context of this evaluation (PMID: 35904599, 32107864). Six submitters have cited clinical-significance assessments for this variant to ClinVar after 2014. All submitters classified the variant as uncertain significance. Based on the evidence outlined above, the variant was classified as likely benign.

GeneDx
Classification: Uncertain significance. Last evaluated: 2023-07-07. Review status: criteria provided, single submitter. Criteria: GeneDx Variant Classification Process June 2021. Collection method: clinical testing. Allele origin: germline. Affected: yes.
Comment: In silico analysis supports that this missense variant does not alter protein structure/function; Published functional studies demonstrate ERK activation and cell differentiation levels comparable to wildtype (Messiaen et al., 2019); Identified in individuals with multiple cafe-au-lait macules or other features suspicious for Neurofibromatosis-Noonan syndrome (Messiaen et al., 2009; Witkowski et al., 2020); This variant is associated with the following publications: (PMID: 22753041, 32107864, 19920235, 21548021)

Genome Diagnostics Laboratory, The Hospital for Sick Children
Classification: Uncertain significance for Noonan syndrome and Noonan-related syndrome. Last evaluated: 2021-01-15. Review status: criteria provided, single submitter. Criteria: ACMG Guidelines, 2015. Collection method: clinical testing. Allele origin: germline.

Illumina Laboratory Services, Illumina
Classification: Uncertain significance for Legius syndrome. Last evaluated: 2018-01-13. Review status: criteria provided, single submitter. Criteria: ICSL Variant Classification Criteria 13 December 2019. Collection method: clinical testing. Allele origin: germline.

Laboratory for Molecular Medicine, Mass General Brigham Personalized Medicine
Classification: Uncertain significance. Last evaluated: 2015-10-08. Review status: criteria provided, single submitter. Criteria: LMM Criteria. Collection method: clinical testing. Allele origin: germline. Observed: 1 variant allele.
Comment: Variant classified as Uncertain Significance - Favor Benign. The p.Thr196Ile var iant in SPRED1 has been reported in 2 individuals with multiple cafe-au-lait mac ules (CALMs), with or without freckling, who were negative for deleterious NF1 v ariants (Messiaen 2009, Spencer 2011). This variant has also been identified in 11/65518 European chromosomes by the Exome Aggregation Consortium (ExAC; dbSNP rs147474792). In vitro functional studies suggest that the p.Thr196Ile variant may not impact protein function; however, these ty pes of assays may not accurately represent biological function (Messiaen 2009). Additional computational prediction tools and conservation analysis suggest that this variant may not impact the protein, though this information is not predict ive enough to rule out pathogenicity. In summary, while the clinical significanc e of the p.Thr196Ile variant is uncertain, these data suggest that it is more li kely to be benign.

Literature cited by the submitters: PubMed 19920235 (cited by Ambry Genetics and Laboratory for Molecular Medicine, Mass General Brigham Personalized Medicine); PubMed 21548021 (cited by Ambry Genetics and Laboratory for Molecular Medicine, Mass General Brigham Personalized Medicine); PubMed 32107864 (cited by Ambry Genetics and Women's Health and Genetics/Laboratory Corporation of America, LabCorp); PubMed 35904599 (cited by Women's Health and Genetics/Laboratory Corporation of America, LabCorp); PubMed 22753041 (cited by Laboratory for Molecular Medicine, Mass General Brigham Personalized Medicine).

NM_152594.3(SPRED1):c.587C>T (p.Thr196Ile)

Gene: SPRED1 (sprouty related EVH1 domain containing 1; plus strand). Cytogenetic location: 15q14.
Variant type: single nucleotide variant.
Coding change: c.587C>T on transcript NM_152594.3 (MANE Select); coding-DNA position 587, C replaced by T.
Protein change: p.Thr196Ile; replaces threonine 196 with isoleucine.
Molecular consequence: missense variant.
Genome position (GRCh38, 1-based): chr15:38,349,426, C>T. VCF-style: chr15-38349426-C-T. GRCh37 (hg19) VCF-style: chr15-38641627-C-T.
Other names: short protein forms T196I.
Identifiers: ClinVar variation 229269 (VCV000229269.65), dbSNP rs147474792, ClinGen allele CA501231.